The following is an entry in ClinVar:

ClinVar aggregate classification (germline): Pathogenic/Likely pathogenic. Review status: criteria provided, multiple submitters, no conflicts (2 of 4 stars). 8 submissions from 8 submitters: Pathogenic (6); Likely pathogenic (2). Last evaluated 2025-12-17.

Conditions:
Autosomal dominant nonsyndromic hearing loss 11. Identifiers: Orphanet 90635, MedGen C1832475, MONDO:0011032, OMIM 601317.
Usher syndrome type 1 (USH1). Also called: RETINITIS PIGMENTOSA AND CONGENITAL DEAFNESS. Identifiers: Orphanet 231169, Orphanet 886, MedGen C1568247, MONDO:0010168, OMIM 276900.
Autosomal recessive nonsyndromic hearing loss 2. Also called: DEAFNESS, AUTOSOMAL RECESSIVE 2; NEUROSENSORY NONSYNDROMIC RECESSIVE DEAFNESS 2. Identifiers: Orphanet 90636, MedGen C1838701, MONDO:0010807, OMIM 600060.
Usher syndrome type 1B (USH1B). Also called: Usher syndrome type IB. Identifiers: MedGen C1848638, MONDO:0700087.
MYO7A-related disorder. Also called: MYO7A-related disorders.

Allele frequency attached by ClinVar (database versions not stated): gnomAD 0.00001; TOPMed 0.00001.
gnomAD v4.1: 4 of 1,563,768 alleles (0.00026%); highest among the groups gnomAD compares: Admixed American, 0.0057%; no homozygotes.

Submissions (8):

Labcorp Genetics (formerly Invitae), Labcorp
Classification: Pathogenic. Last evaluated: 2025-12-17. Review status: criteria provided, single submitter. Criteria: Invitae Variant Classification Sherloc (09022015). Collection method: clinical testing. Allele origin: germline.
Comment: This sequence change replaces alanine, which is neutral and non-polar, with aspartic acid, which is acidic and polar, at codon 397 of the MYO7A protein (p.Ala397Asp). This variant is present in population databases (no rsID available, gnomAD no frequency). This missense change has been observed in individuals with Usher syndrome (PMID: 9382091, 20497194). It has also been observed to segregate with disease in related individuals. ClinVar contains an entry for this variant (Variation ID: 553245). Invitae Evidence Modeling of protein sequence and biophysical properties (such as structural, functional, and spatial information, amino acid conservation, physicochemical variation, residue mobility, and thermodynamic stability) indicates that this missense variant is expected to disrupt MYO7A protein function with a positive predictive value of 95%. Experimental studies have shown that this missense change affects MYO7A function (PMID: 18700726). This variant disrupts the p.Ala397 amino acid residue in MYO7A. Other variant(s) that disrupt this residue have been determined to be pathogenic (PMID: 23591405, 28944237; internal data). This suggests that this residue is clinically significant, and that variants that disrupt this residue are likely to be disease-causing. For these reasons, this variant has been classified as Pathogenic.

Natera, Inc.
Classification: Pathogenic for Usher syndrome type 1B. Last evaluated: 2025-07-30. Review status: criteria provided, single submitter. Criteria: Natera Variant Classification Schema (03/2026). Collection method: clinical testing. Allele origin: germline.
Comment: The c.1190C>A variant in MYO7A is a missense variant predicted to cause substitution of alanine to aspartic acid at amino acid 397. This variant is rare in the general population with a frequency below the threshold expected for the associated phenotype(s). This variant has been observed in one or more individuals affected with the associated recessive disease, as either homozygous or compound heterozygous with a second variant (PMID: 33576163, 30459346). Given the available evidence, this variant is classified as Pathogenic.

Revvity Omics, Revvity
Classification: Pathogenic. Last evaluated: 2024-07-05. Review status: criteria provided, single submitter. Criteria: ACMG Guidelines, 2015. Collection method: clinical testing. Allele origin: germline.

GeneDx
Classification: Pathogenic. Last evaluated: 2024-05-06. Review status: criteria provided, single submitter. Criteria: GeneDx Variant Classification Process June 2021. Collection method: clinical testing. Allele origin: germline. Affected: yes.
Comment: Published functional studies demonstrate a damaging effect with severe dysfunction of the myosin VIIa motor function (PMID: 18700726); In silico analysis supports that this missense variant has a deleterious effect on protein structure/function; This variant is associated with the following publications: (PMID: 12786748, 9703432, 9382091, 23148716, 31589614, 33576163, 32991204, 35076463, 18700726, 30459346, 31130284, 16470552)

Myriad Genetics, Inc.
Classification: Likely pathogenic for Usher syndrome type 1. Last evaluated: 2021-11-10. Review status: criteria provided, single submitter. Criteria: Myriad Women's Health Autosomal Recessive and X-Linked Classification Criteria (2021). Collection method: clinical testing. Allele origin: unknown.
Comment: NM_000260.3(MYO7A):c.1190C>A(A397D) is a missense variant classified as likely pathogenic in the context of MYO7A-related disorders. A397D has been observed in cases with relevant disease (PMID: 9382091, 16470552, 23148716, 30459346). Functional assessments of this variant are available in the literature (PMID: 18700726). A397D has been observed in population frequency databases (gnomAD: OTH 0.09%). In summary, NM_000260.3(MYO7A):c.1190C>A(A397D) is a missense variant that has been observed more frequently in cases with the relevant disease than in healthy populations. Please note: this variant was assessed in the context of healthy population screening.

Fulgent Genetics
Classification: Likely pathogenic for Usher syndrome type 1; Autosomal recessive nonsyndromic hearing loss 2; Autosomal dominant nonsyndromic hearing loss 11. Last evaluated: 2021-09-13. Review status: criteria provided, single submitter. Criteria: ACMG Guidelines, 2015. Collection method: clinical testing. Allele origin: unknown.

Blueprint Genetics
Classification: Pathogenic for MYO7A-related disorders. Last evaluated: 2019-12-08. Review status: criteria provided, single submitter. Criteria: ACMG Guidelines, 2015. Collection method: clinical testing. Allele origin: germline. Affected: yes. Observed: 4 variant alleles.

CeGaT Center for Human Genetics Tuebingen
Classification: Pathogenic. Last evaluated: 2019-08-01. Review status: criteria provided, single submitter. Criteria: CeGaT Center For Human Genetics Tuebingen Variant Classification Criteria Version 2. Collection method: clinical testing. Allele origin: germline. Affected: yes. Observed: 1 variant allele.

Literature cited by the submitters: PubMed 9382091 (cited by Labcorp Genetics (formerly Invitae), Labcorp and Myriad Genetics, Inc.); PubMed 20497194 (cited by Labcorp Genetics (formerly Invitae), Labcorp); PubMed 18700726 (cited by Labcorp Genetics (formerly Invitae), Labcorp and Myriad Genetics, Inc.); PubMed 23591405 (cited by Labcorp Genetics (formerly Invitae), Labcorp); PubMed 28944237 (cited by Labcorp Genetics (formerly Invitae), Labcorp); PubMed 33576163 (cited by Natera, Inc.); PubMed 30459346 (cited by Natera, Inc. and Myriad Genetics, Inc.); PubMed 23148716 (cited by Myriad Genetics, Inc.); PubMed 16470552 (cited by Myriad Genetics, Inc.).

NM_000260.4(MYO7A):c.1190C>A (p.Ala397Asp)

Gene: MYO7A (myosin VIIA; plus strand). Cytogenetic location: 11q13.5.
Variant type: single nucleotide variant.
Coding change: c.1190C>A on transcript NM_000260.4 (MANE Select); coding-DNA position 1190, C replaced by A.
Protein change: p.Ala397Asp; replaces alanine 397 with aspartic acid.
Molecular consequence: missense variant.
Genome position (GRCh38, 1-based): chr11:77,160,272, C>A. VCF-style: chr11-77160272-C-A. GRCh37 (hg19) VCF-style: chr11-76871318-C-A.
Other names: c.1190C>A, p.Ala397Asp (NM_001127180.2); c.1157C>A, p.Ala386Asp (NM_001369365.1); short protein forms A397D, A386D.
Identifiers: ClinVar variation 553245 (VCV000553245.58), dbSNP rs1555067667, ClinGen allele CA381934657.
Genomic context (GRCh38, chr11:77,160,272, plus strand): 5'-CCCGCGGGGAGACGGTGTCCACCCCACTGAGCAGGGAACAGGCACTGGACGTGCGCGACG[C>A]CTTCGTAAAGGTGGGCTGGAGGGAAGGGGCCGCTTGCTCGCCCTACCCCTTGGGAAGTTG-3'
Protein context (NP_000251.3, residues 387-407): SREQALDVRD[Ala397Asp]FVKGIYGRLF